The following is an entry in ClinVar:

NM_014629.4(ARHGEF10):c.2108C>T (p.Pro703Leu)

Gene: ARHGEF10 (Rho guanine nucleotide exchange factor 10; plus strand). Cytogenetic location: 8p23.3.
Variant type: single nucleotide variant.
Coding change: c.2108C>T on transcript NM_014629.4 (MANE Select); coding-DNA position 2108, C replaced by T.
Protein change: p.Pro703Leu; replaces proline 703 with leucine.
Molecular consequence: missense variant.
Genome position (GRCh38, 1-based): chr8:1,909,435, C>T. VCF-style: chr8-1909435-C-T. GRCh37 (hg19) VCF-style: chr8-1857601-C-T.
Other names: c.1994C>T, p.Pro665Leu (NM_001308152.2); c.2108C>T, p.Pro703Leu (NM_001308153.3); short protein forms P703L, P727L, P665L.
Identifiers: ClinVar variation 1399218 (VCV001399218.7), dbSNP rs752509122, ClinGen allele CA4600717.

ClinVar aggregate classification (germline): Uncertain significance. Review status: criteria provided, multiple submitters, no conflicts (2 of 4 stars). 2 submissions from 2 submitters: Uncertain significance (2). Last evaluated 2024-10-16.

Allele frequency attached by ClinVar (database versions not stated): gnomAD 0.00003 and 0.00004; TOPMed 0.00003; gnomAD exomes 0.00004 and 0.00006; ExAC 0.00007.
gnomAD v4.1: 62 of 1,613,988 alleles (0.0038%); highest among the groups gnomAD compares: Admixed American, 0.01%; no homozygotes.

Submissions (2):

Labcorp Genetics (formerly Invitae), Labcorp
Classification: Uncertain significance. Last evaluated: 2024-10-16. Review status: criteria provided, single submitter. Criteria: Invitae Variant Classification Sherloc (09022015). Collection method: clinical testing. Allele origin: germline.
Comment: This sequence change replaces proline, which is neutral and non-polar, with leucine, which is neutral and non-polar, at codon 703 of the ARHGEF10 protein (p.Pro703Leu). This variant is present in population databases (rs752509122, gnomAD 0.01%). This variant has not been reported in the literature in individuals affected with ARHGEF10-related conditions. ClinVar contains an entry for this variant (Variation ID: 1399218). Invitae Evidence Modeling of protein sequence and biophysical properties (such as structural, functional, and spatial information, amino acid conservation, physicochemical variation, residue mobility, and thermodynamic stability) indicates that this missense variant is not expected to disrupt ARHGEF10 protein function with a negative predictive value of 80%. In summary, the available evidence is currently insufficient to determine the role of this variant in disease. Therefore, it has been classified as a Variant of Uncertain Significance.

Ambry Genetics
Classification: Uncertain significance. Last evaluated: 2024-06-17. Review status: criteria provided, single submitter. Criteria: Ambry Variant Classification Scheme 2023. Collection method: clinical testing. Allele origin: germline.